The following is an entry in ClinVar:

ClinVar aggregate classification (germline): Likely pathogenic (1 of 4 stars; one submission).

Conditions:
Pitt-Hopkins syndrome (PTHS). Also called: MENTAL RETARDATION, SYNDROMAL, WITH INTERMITTENT HYPERVENTILATION; ENCEPHALOPATHY, SEVERE EPILEPTIC, WITH AUTONOMIC DYSFUNCTION. Identifiers: Orphanet 2896, MedGen C1970431, MONDO:0012589, OMIM 610954.

Submission:

Lupski Lab, Baylor-Hopkins CMG, Baylor College of Medicine
Classification: Likely pathogenic for Pitt-Hopkins syndrome. Review status: criteria provided, single submitter. Criteria: Jehee et al. (Am J Med Genet A. 2017). Collection method: research. Allele origin: maternal. Inheritance: Autosomal dominant inheritance. Affected: yes.

NM_001083962.2(TCF4):c.145+1G>A

Gene: TCF4 (transcription factor 4; minus strand). Cytogenetic location: 18q21.2.
Variant type: single nucleotide variant.
Coding change: c.145+1G>A on transcript NM_001083962.2 (MANE Select); the canonical splice donor site of the intron after coding-DNA position 145, G replaced by A.
Molecular consequence: splice donor variant.
Genome position (GRCh38, 1-based): chr18:55,585,279, C>T on the plus strand (G>A on the coding strand, the complement: TCF4 is on the minus strand). VCF-style: chr18-55585279-C-T. GRCh37 (hg19) VCF-style: chr18-53252510-C-T.
Other names: c.451+1G>A (NM_001243226.3); c.73+1G>A (NM_001369584.1, NM_001369576.1, NM_001369577.1 and 15 more transcripts); c.145+1G>A (NM_001369571.1, NM_001369567.1, NM_001243228.2 and 8 more transcripts); c.139+1G>A (NM_001243230.2).
Identifiers: ClinVar variation 375416 (VCV000375416.1), dbSNP rs1555782724, ClinGen allele CA402703996.